The following is an entry in ClinVar:

ClinVar aggregate classification (germline): Pathogenic. Review status: criteria provided, multiple submitters, no conflicts (2 of 4 stars). 9 submissions from 9 submitters: Pathogenic (7). 2 of the submissions do not count toward it. Last evaluated 2025-08-08.

Conditions:
Rare genetic deafness. Identifiers: Orphanet 96210, MedGen C5680250.
OTOF-related disorder. Also called: OTOF-related condition.
Autosomal recessive nonsyndromic hearing loss 9. Also called: AUDITORY NEUROPATHY, AUTOSOMAL RECESSIVE, 1, TEMPERATURE-SENSITIVE; Deafness, autosomal recessive 9; OTOF-Related Hearing Loss; NEUROSENSORY NONSYNDROMIC RECESSIVE DEAFNESS 9. Identifiers: Orphanet 90636, MedGen C1832828, MONDO:0010986, OMIM 601071.

Allele frequency attached by ClinVar (database versions not stated): gnomAD exomes below 0.00001 and 0.00001.
gnomAD v4.1: 3 of 1,612,750 alleles (0.00019%); highest among the groups gnomAD compares: Middle Eastern, 0.033%; no homozygotes.

Submissions (9):

PreventionGenetics, part of Exact Sciences
Classification: Pathogenic for OTOF-related condition. Last evaluated: 2025-08-08. Review status: criteria provided, single submitter. Criteria: ACMG Guidelines, 2015. Collection method: clinical testing. Allele origin: germline.
Comment: The OTOF c.2239G>T variant is predicted to result in premature protein termination (p.Glu747*). This variant has been reported as causative for autosomal recessive nonsyndromic hearing loss (Rodriguez-Ballesteros et al. 2008. PubMed ID: 18381613; Santarelli et al. 2015. PubMed ID: 26188103; Dallol et al. 2016. PubMed ID: 27766948; described as c.169G>T p.Glu57* in Almontashiri et al. 2018. PubMed ID: 29048421). This variant is reported in 0.0029% of alleles in individuals of Latino descent in gnomAD. Nonsense variants in OTOF are expected to be pathogenic. This variant is interpreted as pathogenic.

Genomic Medicine Center of Excellence, King Faisal Specialist Hospital and Research Centre
Classification: Pathogenic for Autosomal recessive nonsyndromic hearing loss 9. Last evaluated: 2024-03-25. Review status: criteria provided, single submitter. Criteria: ACMG Guidelines, 2015. Collection method: clinical testing. Allele origin: germline.

Labcorp Genetics (formerly Invitae), Labcorp
Classification: Pathogenic. Last evaluated: 2023-09-28. Review status: criteria provided, single submitter. Criteria: Invitae Variant Classification Sherloc (09022015). Collection method: clinical testing. Allele origin: germline.
Comment: This variant is present in population databases (rs397515591, gnomAD 0.003%). For these reasons, this variant has been classified as Pathogenic. ClinVar contains an entry for this variant (Variation ID: 65787). This premature translational stop signal has been observed in individual(s) with OTOF-related conditions (PMID: 18381613, 27766948). This sequence change creates a premature translational stop signal (p.Glu747*) in the OTOF gene. It is expected to result in an absent or disrupted protein product. Loss-of-function variants in OTOF are known to be pathogenic (PMID: 18381613, 19250381, 22575033).

GeneDx
Classification: Pathogenic. Last evaluated: 2022-02-09. Review status: criteria provided, single submitter. Criteria: GeneDx Variant Classification Process June 2021. Collection method: clinical testing. Allele origin: germline. Affected: yes.
Comment: Nonsense variant predicted to result in protein truncation or nonsense mediated decay in a gene for which loss-of-function is a known mechanism of disease; Not observed at a significant frequency in large population cohorts (gnomAD); This variant is associated with the following publications: (PMID: 25525159, 26188103, 18381613, 27766948, 29048421, 34194829, 32747562)

King Laboratory, University of Washington
Classification: Pathogenic for Autosomal recessive nonsyndromic hearing loss 9. Last evaluated: 2020-08-01. Review status: criteria provided, single submitter. Criteria: Abu Rayyan A et al. (Proc Natl Acad Sci U S A 2020). Collection method: research. Allele origin: germline. Affected: yes.
Comment: OTOF c.2239G>T, p.E747* is homozygous in 2 children with profound pre-lingual hearing loss in a Palestinian family (Abu Rayyan 2020). It is absent from 1300 Palestinian controls and present in 1/249840 allele on gnomAD, as a heterozygote

Blueprint Genetics
Classification: Pathogenic for OTOF-related disorders. Last evaluated: 2019-08-13. Review status: criteria provided, single submitter. Criteria: ACMG Guidelines, 2015. Collection method: clinical testing. Allele origin: germline. Affected: yes. Observed: 1 variant allele.

Laboratory for Molecular Medicine, Mass General Brigham Personalized Medicine
Classification: Pathogenic for Rare genetic deafness. Last evaluated: 2017-05-04. Review status: criteria provided, single submitter. Criteria: LMM Criteria. Collection method: clinical testing. Allele origin: germline. Inheritance: Autosomal recessive inheritance. Observed: 4 variant alleles.
Comment: The p.Glu747X variant in OTOF has been reported in the homozygous state in four individuals with hearing loss, including 1 individual with auditory neuropathy b ased on the presence of otoacoustic emissions (Rodriguez-Ballesteros 2008 and LM M data). This variant has been identified in 1/33574 Latino chromosomes by the G enome Aggregation Database (gnomAD; dbSNP rs39 7515591); however, this frequency is low enough to be consistent with a recessiv e carrier frequency for hearing loss. This nonsense variant leads to a prematur e termination codon at position 747, which is predicted to lead to a truncated o r absent protein. In summary, this variant meets criteria to be classified as pa thogenic for autosomal recessive auditory neuropathy spectrum disorder, based on the predicted impact to the protein, reported homozygosity in multiple affected individuals with consistent specific phenotypes, and the low frequency in the g eneral population.

OMIM
Classification: Pathogenic for DEAFNESS, AUTOSOMAL RECESSIVE 9. Last evaluated: 2008-06-01. Review status: no assertion criteria provided. Collection method: literature only. Allele origin: germline. Not counted in ClinVar's aggregate classification.

GeneReviews
No classification provided. Condition: Autosomal recessive nonsyndromic hearing loss 9. Review status: no classification provided. Collection method: literature only. Allele origin: unknown. Not counted in ClinVar's aggregate classification.

Literature cited by the submitters: PubMed 18381613 (cited by 4 submitters); PubMed 27766948 (cited by Labcorp Genetics (formerly Invitae), Labcorp and OMIM); PubMed 19250381 (cited by Labcorp Genetics (formerly Invitae), Labcorp); PubMed 22575033 (cited by Labcorp Genetics (formerly Invitae), Labcorp); PubMed 29048421 (cited by OMIM); PubMed 20301429 (cited by GeneReviews); NCBI Bookshelf NBK1251 (cited by GeneReviews).

NM_194248.3(OTOF):c.2239G>T (p.Glu747Ter)

Genes: OTOF (otoferlin; minus strand), LOC129933334 (ATAC-STARR-seq lymphoblastoid active region 15473; plus strand). Cytogenetic location: 2p23.3.
Variant type: single nucleotide variant.
Coding change: c.2239G>T on transcript NM_194248.3 (MANE Select); coding-DNA position 2239, G replaced by T.
Protein change: p.Glu747Ter; replaces glutamic acid 747 with a stop codon.
Molecular consequence: nonsense. On other transcripts: 5 prime UTR variant (2).
Genome position (GRCh38, 1-based): chr2:26,477,725, C>A on the plus strand (G>T on the coding strand, the complement: OTOF is on the minus strand). VCF-style: chr2-26477725-C-A. GRCh37 (hg19) VCF-style: chr2-26700593-C-A.
Other names: NM_194248.2:c.2239G>T, p.(Glu747*); c.2239G>T, p.Glu747Ter (NM_001287489.2); c.-3G>T (NM_004802.4, NM_194323.3); c.169G>T, p.Glu57Ter (NM_194322.3); short protein forms E747*, E57*.
Identifiers: ClinVar variation 65787 (VCV000065787.20), dbSNP rs397515591, ClinGen allele CA345101.